The following is an entry in ClinVar:

NM_004423.4(DVL3):c.808G>A (p.Glu270Lys)

Gene: DVL3 (dishevelled segment polarity protein 3; plus strand). Cytogenetic location: 3q27.1.
Variant type: single nucleotide variant.
Coding change: c.808G>A on transcript NM_004423.4 (MANE Select); coding-DNA position 808, G replaced by A.
Protein change: p.Glu270Lys; replaces glutamic acid 270 with lysine.
Molecular consequence: missense variant.
Genome position (GRCh38, 1-based): chr3:184,166,170, G>A. VCF-style: chr3-184166170-G-A. GRCh37 (hg19) VCF-style: chr3-183883958-G-A.
Other names: short protein forms E270K.
Identifiers: ClinVar variation 2985708 (VCV002985708.4), dbSNP rs1714576025, ClinGen allele CA355408875.

ClinVar aggregate classification (germline): Uncertain significance. Review status: criteria provided, multiple submitters, no conflicts (2 of 4 stars). 2 submissions from 2 submitters: Uncertain significance (2). Last evaluated 2024-12-19.

Conditions:
Autosomal dominant Robinow syndrome 3. Identifiers: Orphanet 3107, Orphanet 97360, MedGen C4225164, MONDO:0014819, OMIM 616894.

Allele frequency attached by ClinVar (database versions not stated): TOPMed below 0.00001; gnomAD exomes 0.00001.
gnomAD v4.1: 5 of 1,613,702 alleles (0.00031%); highest among the groups gnomAD compares: Non-Finnish European, 0.00042%; no homozygotes.

Submissions (2):

Genomic Medicine Center of Excellence, King Faisal Specialist Hospital and Research Centre
Classification: Uncertain significance for Autosomal dominant Robinow syndrome 3. Last evaluated: 2024-12-19. Review status: criteria provided, single submitter. Criteria: ACMG Guidelines, 2015. Collection method: clinical testing. Allele origin: germline.

Labcorp Genetics (formerly Invitae), Labcorp
Classification: Uncertain significance. Last evaluated: 2023-05-20. Review status: criteria provided, single submitter. Criteria: Invitae Variant Classification Sherloc (09022015). Collection method: clinical testing. Allele origin: germline.
Comment: In summary, the available evidence is currently insufficient to determine the role of this variant in disease. Therefore, it has been classified as a Variant of Uncertain Significance. Advanced modeling of protein sequence and biophysical properties (such as structural, functional, and spatial information, amino acid conservation, physicochemical variation, residue mobility, and thermodynamic stability) performed at Invitae indicates that this missense variant is not expected to disrupt DVL3 protein function. This variant has not been reported in the literature in individuals affected with DVL3-related conditions. This variant is not present in population databases (gnomAD no frequency). This sequence change replaces glutamic acid, which is acidic and polar, with lysine, which is basic and polar, at codon 270 of the DVL3 protein (p.Glu270Lys).